The following is an entry in ClinVar:

NM_000444.6(PHEX):c.1158G>A (p.Trp386Ter)

Gene: PHEX (phosphate regulating endopeptidase X-linked; plus strand). Cytogenetic location: Xp22.11.
Variant type: single nucleotide variant.
Coding change: c.1158G>A on transcript NM_000444.6 (MANE Select); coding-DNA position 1158, G replaced by A.
Protein change: p.Trp386Ter; replaces tryptophan 386 with a stop codon.
Molecular consequence: nonsense.
Genome position (GRCh38, 1-based): chrX:22,111,545, G>A. VCF-style: chrX-22111545-G-A. GRCh37 (hg19) VCF-style: chrX-22129663-G-A.
Other names: c.1158G>A, p.Trp386Ter (NM_001282754.2); short protein forms W386*.
Identifiers: ClinVar variation 280070 (VCV000280070.8), dbSNP rs886041357, ClinGen allele CA10603574.

ClinVar aggregate classification (germline): Pathogenic. Review status: criteria provided, multiple submitters, no conflicts (2 of 4 stars). 2 submissions from 2 submitters: Pathogenic (2). Last evaluated 2022-01-12.

Submissions (2):

Labcorp Genetics (formerly Invitae), Labcorp
Classification: Pathogenic. Last evaluated: 2022-01-12. Review status: criteria provided, single submitter. Criteria: Invitae Variant Classification Sherloc (09022015). Collection method: clinical testing. Allele origin: germline.
Comment: This sequence change creates a premature translational stop signal (p.Trp386*) in the PHEX gene. It is expected to result in an absent or disrupted protein product. Loss-of-function variants in PHEX are known to be pathogenic (PMID: 9097956, 9106524, 19219621). This variant is not present in population databases (gnomAD no frequency). This premature translational stop signal has been observed in individual(s) with hypophosphatemic rickets (PMID: 10737991, 29460029). ClinVar contains an entry for this variant (Variation ID: 280070). For these reasons, this variant has been classified as Pathogenic.

GeneDx
Classification: Pathogenic. Last evaluated: 2016-09-27. Review status: criteria provided, single submitter. Criteria: GeneDx Variant Classification (06012015). Collection method: clinical testing. Allele origin: germline. Affected: yes.
Comment: The W386X nonsense variant in the PHEX gene has been reported previously in association with hypophosphatemia (Tyynismaa et al., 2000). This pathogenic variant is predicted to cause loss of normal protein function either through protein truncation or nonsense-mediated mRNA decay. The W386X variant was not observed in approximately 6,500 individuals of European and African American ancestry in the NHLBI Exome Sequencing Project, indicating it is not a common benign variant in these populations.

Literature cited by the submitters: PubMed 9097956 (cited by Labcorp Genetics (formerly Invitae), Labcorp); PubMed 9106524 (cited by Labcorp Genetics (formerly Invitae), Labcorp); PubMed 19219621 (cited by Labcorp Genetics (formerly Invitae), Labcorp); PubMed 10737991 (cited by Labcorp Genetics (formerly Invitae), Labcorp); PubMed 29460029 (cited by Labcorp Genetics (formerly Invitae), Labcorp).